The following is an entry in ClinVar:

ClinVar aggregate classification (germline): Uncertain significance. Review status: criteria provided, multiple submitters, no conflicts (2 of 4 stars). 2 submissions from 2 submitters: Uncertain significance (2). Last evaluated 2026-08-24.

Conditions:
Mitochondrial complex I deficiency, nuclear type 8. Also called: Mitochondrial complex 1 deficiency, nuclear type 8. Identifiers: MedGen C4748766, MONDO:0032613, OMIM 618230.

Allele frequency attached by ClinVar (database versions not stated): gnomAD 0.00001; gnomAD exomes 0.00001; ExAC 0.00002.

Submissions (2):

GeneDx
Classification: Uncertain significance. Last evaluated: 2026-08-24. Review status: criteria provided, single submitter. Criteria: GeneDx Variant Classification Process June 2021. Collection method: clinical testing. Allele origin: germline.
Comment: Has not been previously published as pathogenic or benign to our knowledge; Not observed at significant frequency in large population cohorts (gnomAD); In silico analysis supports that this missense variant has a deleterious effect on protein structure/function

OLLIN Analises Genomicas, OLLIN
Classification: Uncertain significance for Mitochondrial complex I deficiency, nuclear type 8. Last evaluated: 2026-08-06. Review status: criteria provided, single submitter. Criteria: ACMG Guidelines 2015 PMID 25741868. Collection method: clinical testing. Allele origin: germline.
Comment: This missense variant, located in exon 4 (of 7), has been reported in ClinVar (accession VCV002580063.1) and in gnomAD with an allele frequency of 0.00093%. However, to our knowledge, it has not been reported in the scientific literature. In silico analysis predicts that this variant has a deleterious effect. According to the currently available evidence, this variant has been classified as uncertain significance (PM2_P, PP3_M).

NM_004551.3(NDUFS3):c.373C>T (p.Arg125Cys)

Gene: NDUFS3 (NADH:ubiquinone oxidoreductase core subunit S3; plus strand). Cytogenetic location: 11p11.2.
Variant type: single nucleotide variant.
Coding change: c.373C>T on transcript NM_004551.3 (MANE Select); coding-DNA position 373, C replaced by T.
Protein change: p.Arg125Cys; replaces arginine 125 with cysteine.
Molecular consequence: missense variant.
Genome position (GRCh38, 1-based): chr11:47,580,976, C>T. VCF-style: chr11-47580976-C-T. GRCh37 (hg19) VCF-style: chr11-47602528-C-T.
Other names: short protein forms R125C.
Identifiers: ClinVar variation 2580063 (VCV002580063.3), dbSNP rs746933225, ClinGen allele CA5977937.
Genomic context (GRCh38, chr11:47,580,976, plus strand): 5'-AATGCACAGTTCAAATCTCTGGTTGACTTGACAGCAGTGGACGTCCCAACTCGGCAAAAC[C>T]GTTTTGAGGTCAGTTGGGAGATCTGAGAAGGTTTTGGGGGTAAGGATATTAATTTCAGTT-3'
Protein context (NP_004542.1, residues 115-135): TAVDVPTRQN[Arg125Cys]FEIVYNLLSL